The following is an entry in ClinVar:

ClinVar aggregate classification (germline): Uncertain significance (1 of 4 stars; one submission).

Allele frequency attached by ClinVar (database versions not stated): gnomAD exomes 0.00001.
gnomAD v4.1: 4 of 1,612,104 alleles (0.00025%); highest among the groups gnomAD compares: Non-Finnish European, 0.00034%; no homozygotes.

Submission:

Labcorp Genetics (formerly Invitae), Labcorp
Classification: Uncertain significance. Last evaluated: 2021-11-27. Review status: criteria provided, single submitter. Criteria: Invitae Variant Classification Sherloc (09022015). Collection method: clinical testing. Allele origin: germline.
Comment: In summary, the available evidence is currently insufficient to determine the role of this variant in disease. Therefore, it has been classified as a Variant of Uncertain Significance. Algorithms developed to predict the effect of missense changes on protein structure and function are either unavailable or do not agree on the potential impact of this missense change (SIFT: "Deleterious"; PolyPhen-2: "Possibly Damaging"; Align-GVGD: "Class C15"). This variant has not been reported in the literature in individuals affected with RAI1-related conditions. This variant is present in population databases (no rsID available, gnomAD 0.002%). This sequence change replaces serine, which is neutral and polar, with isoleucine, which is neutral and non-polar, at codon 105 of the RAI1 protein (p.Ser105Ile).

NM_030665.4(RAI1):c.314G>T (p.Ser105Ile)

Gene: RAI1 (retinoic acid induced 1; plus strand). Cytogenetic location: 17p11.2.
Variant type: single nucleotide variant.
Coding change: c.314G>T on transcript NM_030665.4 (MANE Select); coding-DNA position 314, G replaced by T.
Protein change: p.Ser105Ile; replaces serine 105 with isoleucine.
Molecular consequence: missense variant.
Genome position (GRCh38, 1-based): chr17:17,793,262, G>T. VCF-style: chr17-17793262-G-T. GRCh37 (hg19) VCF-style: chr17-17696576-G-T.
Other names: short protein forms S105I.
Identifiers: ClinVar variation 1367646 (VCV001367646.6), dbSNP rs1428816669, ClinGen allele CA398545194.